The following is an entry in ClinVar:

ClinVar aggregate classification (germline): Uncertain significance. Review status: criteria provided, multiple submitters, no conflicts (2 of 4 stars). 2 submissions from 2 submitters: Uncertain significance (2). Last evaluated 2026-01-13.

Conditions:
Inborn genetic diseases. Identifiers: MedGen C0950123, MeSH D030342.

Allele frequency attached by ClinVar (database versions not stated): gnomAD 0.00001; ExAC 0.00002; TOPMed 0.00002.
gnomAD v4.1: 19 of 1,612,344 alleles (0.0012%); highest among the groups gnomAD compares: Admixed American, 0.0017%; no homozygotes.

Submissions (2):

Labcorp Genetics (formerly Invitae), Labcorp
Classification: Uncertain significance. Last evaluated: 2026-01-13. Review status: criteria provided, single submitter. Criteria: Invitae Variant Classification Sherloc (09022015). Collection method: clinical testing. Allele origin: germline.
Comment: This sequence change replaces threonine, which is neutral and polar, with asparagine, which is neutral and polar, at codon 503 of the ANTXR1 protein (p.Thr503Asn). This variant is present in population databases (rs775597169, gnomAD 0.0009%). This variant has not been reported in the literature in individuals affected with ANTXR1-related conditions. ClinVar contains an entry for this variant (Variation ID: 1977626). An algorithm developed to predict the effect of missense changes on protein structure and function outputs the following: PolyPhen-2: "Benign". The asparagine amino acid residue is found in multiple mammalian species, which suggests that this missense change does not adversely affect protein function. In summary, the available evidence is currently insufficient to determine the role of this variant in disease. Therefore, it has been classified as a Variant of Uncertain Significance.

Ambry Genetics
Classification: Uncertain significance for Inborn genetic diseases. Last evaluated: 2025-12-16. Review status: criteria provided, single submitter. Criteria: Ambry Variant Classification Scheme 2023. Collection method: clinical testing. Allele origin: germline.

NM_032208.3(ANTXR1):c.1508C>A (p.Thr503Asn)

Gene: ANTXR1 (ANTXR cell adhesion molecule 1; plus strand). Cytogenetic location: 2p13.3.
Variant type: single nucleotide variant.
Coding change: c.1508C>A on transcript NM_032208.3 (MANE Select); coding-DNA position 1508, C replaced by A.
Protein change: p.Thr503Asn; replaces threonine 503 with asparagine.
Molecular consequence: missense variant.
Genome position (GRCh38, 1-based): chr2:69,245,298, C>A. VCF-style: chr2-69245298-C-A. GRCh37 (hg19) VCF-style: chr2-69472430-C-A.
Other names: c.1508C>A (NM_032208.2); short protein forms T503N.
Identifiers: ClinVar variation 1977626 (VCV001977626.6), dbSNP rs775597169, ClinGen allele CA1693421.